The following is an entry in ClinVar:

ClinVar aggregate classification (germline): Uncertain significance. Review status: criteria provided, multiple submitters, no conflicts (2 of 4 stars). 2 submissions from 2 submitters: Uncertain significance (2). Last evaluated 2025-08-27.

Allele frequency attached by ClinVar (database versions not stated): gnomAD 0.00001 and 0.00002; TOPMed 0.00001; gnomAD exomes 0.00005 and 0.00008; ExAC 0.00010.
gnomAD v4.1: 70 of 1,610,480 alleles (0.0043%); highest among the groups gnomAD compares: South Asian, 0.04%; no homozygotes.

Submissions (2):

GeneDx
Classification: Uncertain significance. Last evaluated: 2025-08-27. Review status: criteria provided, single submitter. Criteria: GeneDx Variant Classification Process June 2021. Collection method: clinical testing. Allele origin: germline. Affected: yes.
Comment: In silico analysis suggests that this missense variant does not alter protein structure/function; Has not been previously published as pathogenic or benign to our knowledge

Ambry Genetics
Classification: Uncertain significance. Last evaluated: 2023-04-07. Review status: criteria provided, single submitter. Criteria: Ambry Variant Classification Scheme 2023. Collection method: clinical testing. Allele origin: germline.

NM_001080397.3(SLC45A1):c.2224C>T (p.Arg742Trp)

Gene: SLC45A1 (solute carrier family 45 member 1; plus strand). Cytogenetic location: 1p36.23.
Variant type: single nucleotide variant.
Coding change: c.2224C>T on transcript NM_001080397.3 (MANE Select); coding-DNA position 2224, C replaced by T.
Protein change: p.Arg742Trp; replaces arginine 742 with tryptophan.
Molecular consequence: missense variant.
Genome position (GRCh38, 1-based): chr1:8,343,990, C>T. VCF-style: chr1-8343990-C-T. GRCh37 (hg19) VCF-style: chr1-8404050-C-T.
Other names: c.2248C>T, p.Arg750Trp (NM_001379614.1); c.2155C>T, p.Arg719Trp (NM_001379615.1); c.2131C>T, p.Arg711Trp (NM_001379616.1); c.1642C>T, p.Arg548Trp (NM_001379617.1); c.1618C>T, p.Arg540Trp (NM_001379618.1); c.2224C>T (NM_001080397.1); short protein forms R776W, R540W, R548W, R711W, R719W, R742W, R750W.
Identifiers: ClinVar variation 451751 (VCV000451751.5), dbSNP rs766999940, ClinGen allele CA570650.
Genomic context (GRCh38, chr1:8,343,990, plus strand): 5'-TACTCCTCCCTGTTTGTCATTTATGAAATTCCTCCCAGCGACGCTGCAGACGAGGAGCAC[C>T]GGCCCCTCCTGCTGAACGTCTGACATCGCGGAGCCTCGACTCCGGACACGCGCCTGCACC-3'
Protein context (NP_001073866.3, residues 732-748): PPSDAADEEH[Arg742Trp]PLLLNV